The following is an entry in ClinVar:

ClinVar aggregate classification (germline): Uncertain significance. Review status: criteria provided, multiple submitters, no conflicts (2 of 4 stars). 2 submissions from 2 submitters: Uncertain significance (2). Last evaluated 2023-09-15.

Conditions:
Pure or complex autosomal recessive spastic paraplegia. Identifiers: Orphanet 320346, MedGen C5679887, MONDO:0017915.

Allele frequency attached by ClinVar (database versions not stated): ExAC 0.00007; gnomAD 0.00019; TOPMed 0.00020; ESP Exome Variant Server 0.00031.
gnomAD v4.1: 41 of 1,596,494 alleles (0.0026%); highest among the groups gnomAD compares: African/African-American, 0.056%; no homozygotes.

Submissions (2):

Labcorp Genetics (formerly Invitae), Labcorp
Classification: Uncertain significance for Pure or complex autosomal recessive spastic paraplegia. Last evaluated: 2023-09-15. Review status: criteria provided, single submitter. Criteria: Invitae Variant Classification Sherloc (09022015). Collection method: clinical testing. Allele origin: germline.
Comment: This sequence change replaces isoleucine, which is neutral and non-polar, with valine, which is neutral and non-polar, at codon 1026 of the ZFR protein (p.Ile1026Val). This variant is present in population databases (rs143087898, gnomAD 0.09%), and has an allele count higher than expected for a pathogenic variant. This variant has not been reported in the literature in individuals affected with ZFR-related conditions. ClinVar contains an entry for this variant (Variation ID: 1898176). Experimental studies and prediction algorithms are not available or were not evaluated, and the functional significance of this variant is currently unknown. In summary, the available evidence is currently insufficient to determine the role of this variant in disease. Therefore, it has been classified as a Variant of Uncertain Significance.

Ambry Genetics
Classification: Uncertain significance. Last evaluated: 2021-08-13. Review status: criteria provided, single submitter. Criteria: Ambry Variant Classification Scheme 2023. Collection method: clinical testing. Allele origin: germline.

NM_016107.5(ZFR):c.3076A>G (p.Ile1026Val)

Gene: ZFR (zinc finger RNA binding protein; minus strand). Cytogenetic location: 5p13.3.
Variant type: single nucleotide variant.
Coding change: c.3076A>G on transcript NM_016107.5 (MANE Select); coding-DNA position 3076, A replaced by G.
Protein change: p.Ile1026Val; replaces isoleucine 1026 with valine.
Molecular consequence: missense variant. On other transcripts: non-coding transcript variant (1).
Genome position (GRCh38, 1-based): chr5:32,355,909, T>C on the plus strand (A>G on the coding strand, the complement: ZFR is on the minus strand). VCF-style: chr5-32355909-T-C. GRCh37 (hg19) VCF-style: chr5-32356015-T-C.
Other names: short protein forms I1026V.
Identifiers: ClinVar variation 1898176 (VCV001898176.6), dbSNP rs143087898, ClinGen allele CA3221438.
Genomic context (GRCh38, chr5:32,355,909, plus strand): 5'-TGTGGATGTTAAAACGTTGGCTCATTTGCGGTAATGGATCCATGCCTAGAACTTTGTGTA[T>C]CTGGCGGAATGCAAGGAGTCTCAATGCAAACTGCAACAAAGAGAGTCAGAATTTTGAGTT-3'
Protein context (NP_057191.2, residues 1016-1036): FALRLLAFRQ[Ile1026Val]HKVLGMDPLP